The following is an entry in ClinVar:

ClinVar aggregate classification (germline): Uncertain significance (1 of 4 stars; one submission).

Allele frequency attached by ClinVar (database versions not stated): gnomAD exomes below 0.00001 and 0.00001; TOPMed below 0.00001; ExAC 0.00002.
gnomAD v4.1: 2 of 1,614,012 alleles (0.00012%); highest among the groups gnomAD compares: Non-Finnish European, 0.00017%; no homozygotes.

Submission:

Labcorp Genetics (formerly Invitae), Labcorp
Classification: Uncertain significance. Last evaluated: 2020-07-10. Review status: criteria provided, single submitter. Criteria: Invitae Variant Classification Sherloc (09022015). Collection method: clinical testing. Allele origin: germline.
Comment: In summary, the available evidence is currently insufficient to determine the role of this variant in disease. Therefore, it has been classified as a Variant of Uncertain Significance. Algorithms developed to predict the effect of missense changes on protein structure and function output the following: SIFT: "Deleterious"; PolyPhen-2: "Benign"; Align-GVGD: "Class C0". The glycine amino acid residue is found in multiple mammalian species, suggesting that this missense change does not adversely affect protein function. These predictions have not been confirmed by published functional studies and their clinical significance is uncertain. This variant has not been reported in the literature in individuals with KIAA1549-related conditions. This variant is present in population databases (rs748103024, ExAC 0.004%). This sequence change replaces serine with glycine at codon 136 of the KIAA1549 protein (p.Ser136Gly). The serine residue is moderately conserved and there is a small physicochemical difference between serine and glycine.

NM_001164665.2(KIAA1549):c.406A>G (p.Ser136Gly)

Gene: KIAA1549 (KIAA1549; minus strand). Cytogenetic location: 7q34.
Variant type: single nucleotide variant.
Coding change: c.406A>G on transcript NM_001164665.2 (MANE Select); coding-DNA position 406, A replaced by G.
Protein change: p.Ser136Gly; replaces serine 136 with glycine.
Molecular consequence: missense variant.
Genome position (GRCh38, 1-based): chr7:138,919,220, T>C on the plus strand (A>G on the coding strand, the complement: KIAA1549 is on the minus strand). VCF-style: chr7-138919220-T-C. GRCh37 (hg19) VCF-style: chr7-138603966-T-C.
Other names: c.406A>G, p.Ser136Gly (NM_020910.3); short protein forms S136G.
Identifiers: ClinVar variation 1056853 (VCV001056853.9), dbSNP rs748103024, ClinGen allele CA4506953.